The following is an entry in ClinVar:

NM_017780.4(CHD7):c.1667A>T (p.His556Leu)

Genes: CHD7 (chromodomain helicase DNA binding protein 7; plus strand), LOC126860403 (CDK7 strongly-dependent group 2 enhancer GRCh37_chr8:61693034-61694233; plus strand). Cytogenetic location: 8q12.2.
Variant type: single nucleotide variant.
Coding change: c.1667A>T on transcript NM_017780.4 (MANE Select); coding-DNA position 1667, A replaced by T.
Protein change: p.His556Leu; replaces histidine 556 with leucine.
Molecular consequence: missense variant.
Genome position (GRCh38, 1-based): chr8:60,781,001, A>T. VCF-style: chr8-60781001-A-T. GRCh37 (hg19) VCF-style: chr8-61693560-A-T.
Other names: c.1667A>T, p.His556Leu (NM_001316690.1); short protein forms H556L.
Identifiers: ClinVar variation 1339603 (VCV001339603.2), dbSNP rs2150668937, ClinGen allele CA371311150.

ClinVar aggregate classification (germline): Uncertain significance (1 of 4 stars; one submission).

Submission:

GeneDx
Classification: Uncertain significance. Last evaluated: 2022-01-24. Review status: criteria provided, single submitter. Criteria: GeneDx Variant Classification Process June 2021. Collection method: clinical testing. Allele origin: germline. Affected: yes.
Comment: Not observed at significant frequency in large population cohorts (gnomAD); In silico analysis supports that this missense variant has a deleterious effect on protein structure/function; Has not been previously published as pathogenic or benign to our knowledge